The following is an entry in ClinVar:

NM_018136.5(ASPM):c.7664_7665del (p.Lys2555fs)

Gene: ASPM (assembly factor for spindle microtubules; minus strand). Cytogenetic location: 1q31.3.
Variant type: Deletion.
Coding change: c.7664_7665del on transcript NM_018136.5 (MANE Select); coding-DNA positions 7664 to 7665, 2 bases deleted (AA; older notation c.7664_7665delAA).
Protein change: p.Lys2555fs; shifts the reading frame from lysine 2555.
Molecular consequence: frameshift variant. On other transcripts: intron variant (1).
Genome position (GRCh38, 1-based): chr1:197,101,586-197,101,587, TT deleted on the plus strand (AA on the coding strand, the reverse complement: ASPM is on the minus strand); deleting any 2 consecutive bases within chr1:197,101,586-197,101,588 gives the same sequence; the c. name uses the placement nearest the transcript's 3' end. VCF-style (leftmost placement, unchanged base first): chr1-197101585-CTT-C. GRCh37 (hg19) VCF-style: chr1-197070715-CTT-C.
Other names: c.4066-5423_4066-5422del (NM_001206846.2); short protein forms K2555fs.
Identifiers: ClinVar variation 996097 (VCV000996097.1), dbSNP rs587783269, ClinGen allele CA1217929986.

ClinVar aggregate classification (germline): Pathogenic (1 of 4 stars; one submission).

Conditions:
Microcephaly 5, primary, autosomal recessive (MCPH5). Also called: ASPM Primary Microcephaly. Identifiers: Orphanet 2512, MedGen C1837501, MONDO:0012106, OMIM 608716.

Submission:

Johns Hopkins Genomics, Johns Hopkins University
Classification: Pathogenic for Microcephaly 5, primary, autosomal recessive. Last evaluated: 2021-01-15. Review status: criteria provided, single submitter. Criteria: ACMG Guidelines, 2015. Collection method: clinical testing. Allele origin: germline.
Comment: This ASPM variant is absent in a large population dataset and has not been reported in the literature to our knowledge. This 2-bp deletion results in a frameshift in exon 18 of 28 that is predicted to introduce a premature termination codon (PTC), likely leading to nonsense-mediated decay and lack of protein production. An alternate frameshift variant (c.7665del) at this position was reported to be associated with primary microcephaly-5. We consider c.7664_7665del to be pathogenic.

Literature cited by the submitters: PubMed 12355089; PubMed 14574646; PubMed 16673149; PubMed 19028728; PubMed 19770472; PubMed 27250695.